The following is an entry in ClinVar:

ClinVar aggregate classification (germline): Uncertain significance. Review status: reviewed by expert panel (3 of 4 stars). 4 submissions from 4 submitters: Uncertain significance (1). 3 of the submissions do not count toward it. Last evaluated 2025-05-20.

Conditions:
RPGR-related retinopathy. Also called: RPGR retinopathy. Identifiers: MedGen CN305589, MONDO:0100437.
Retinal dystrophy. Also called: Inherited retinal dystrophy. Identifiers: Orphanet 71862, MedGen C0854723, MeSH D058499, MONDO:0019118, HP:0000556.

Submissions (4):

ClinGen X-linked Inherited Retinal Disease Variant Curation Expert Panel, ClinGen
Classification: Uncertain significance for RPGR-related retinopathy. Last evaluated: 2025-05-20. Review status: reviewed by expert panel. Criteria: ClinGen X LinkedIRD ACMG Specifications RPGR V1.0.0. Collection method: curation. Allele origin: germline. Inheritance: X-linked inheritance.
Comment: NM_001034853.2(RPGR):c.908G>A (p.Gly303Glu) is a missense variant predicted to cause substitution of glycine with glutamate at amino acid 303. This variant is absent from hemizygous individuals in gnomAD v4.1.0 (PM2_Supporting). The computational predictor REVEL gives a score of 0.968, which is above the ClinGen X-linked IRD VCEP threshold of ≥ 0.932 and predicts a damaging effect on RPGR function (PP3_strong). The splicing impact predictor SpliceAI gives a score of 0.05 for splice acceptor gain, which is below he ClinGen X-linked IRD VCEP recommended threshold of ≥0.2 and does not predict a damaging impact on splicing. At least one proband harboring this variant exhibits a phenotype consistent with retinitis pigmentosa or rod-cone dystrophy, however, the available details are not sufficient to evaluate specificity for RPGR-related retinopathy (PMID: 27208204). In summary, this variant meets the criteria to be classified as a variant of uncertain significance for RPGR-related retinopathy based on the ClinGen X-linked Inherited Retinal Disease Expert Panel Specifications to the ACMG/AMP Variant Interpretation Guidelines for RPGR Version 1.0.0; PM2_Supporting, PP3_strong. (date of approval 05/16/2025).

Myriad Genetics, Inc.
Classification: Uncertain significance for RPGR-related retinopathy. Last evaluated: 2026-07-13. Review status: criteria provided, single submitter. Criteria: Myriad Autosomal Dominant, Autosomal Recessive and X-Linked Classification Criteria (2023). Collection method: clinical testing. Allele origin: unknown. Not counted in ClinVar's aggregate classification.
Comment: NM_000328.2(RPGR):c.908G>A(G303E) is a missense variant classified as a variant of uncertain significance in the context of X-linked retinal dystrophy, RPGR-related. G303E has been observed in a case with relevant disease (PMID: 27208204). Relevant functional assessments of this variant are not available in the literature. G303E has not been observed in referenced population frequency databases. In summary, there is insufficient evidence to classify NM_000328.2(RPGR):c.908G>A(G303E) as pathogenic or benign. Please note: this variant was assessed in the context of healthy population screening.

Institute of Human Genetics, Univ. Regensburg, Univ. Regensburg
Classification: Uncertain significance for Retinal dystrophy. Last evaluated: 2022-01-01. Review status: no assertion criteria provided. Criteria: ACMG Guidelines, 2015. Collection method: clinical testing. Allele origin: germline. Affected: yes. Not counted in ClinVar's aggregate classification.

Centre for Genomic Medicine, Manchester, Central Manchester University Hospitals
Classification: Uncertain significance for Retinal dystrophy. Review status: no assertion criteria provided. Collection method: clinical testing. Allele origin: germline. Affected: yes. Not counted in ClinVar's aggregate classification.

Literature cited by the submitters: PubMed 27208204 (cited by Myriad Genetics, Inc.).

NM_001034853.2(RPGR):c.908G>A (p.Gly303Glu)

Gene: RPGR (retinitis pigmentosa GTPase regulator; minus strand). Cytogenetic location: Xp11.4.
Variant type: single nucleotide variant.
Coding change: c.908G>A on transcript NM_001034853.2 (MANE Select); coding-DNA position 908, G replaced by A.
Protein change: p.Gly303Glu; replaces glycine 303 with glutamic acid.
Molecular consequence: missense variant. On other transcripts: non-coding transcript variant (5).
Genome position (GRCh38, 1-based): chrX:38,304,661, C>T on the plus strand (G>A on the coding strand, the complement: RPGR is on the minus strand). VCF-style: chrX-38304661-C-T. GRCh37 (hg19) VCF-style: chrX-38163914-C-T.
Other names: NM_001034853.2(RPGR):c.908G>A; p.Gly303Glu; c.908G>A, p.Gly303Glu (NM_000328.3, NM_001367246.1, NM_001367247.1 and 1 more transcripts); c.905G>A, p.Gly302Glu (NM_001367245.1, NM_001367249.1, NM_001367250.1); c.938G>A, p.Gly313Glu (NM_001367248.1); short protein forms G303E, G302E, G313E.
Identifiers: ClinVar variation 236483 (VCV000236483.3), dbSNP rs878853375, ClinGen allele CA10581715.
Genomic context (GRCh38, chrX:38,304,661, plus strand): 5'-TCTATAAATATATAACAGAAATTCTAATCCATACCTGTTATCAAAGCTGTGTGATTTTCT[C>T]CACAAGAAATATAACTTATTGTTTGATCCCTAATATTCTCAATGACTTTGGGTTCTGAAG-3'
Protein context (NP_001030025.1, residues 293-313): RDQTISYISC[Gly303Glu]ENHTALITDI